The following is an entry in ClinVar:

ClinVar aggregate classification (germline): Uncertain significance (1 of 4 stars; one submission).

Conditions:
Primary ciliary dyskinesia. Also called: Ciliary dyskinesia. Identifiers: Orphanet 244, MedGen C0008780, MONDO:0016575, HP:0012265.

gnomAD v4.1: 2 of 1,611,248 alleles (0.00012%); highest among the groups gnomAD compares: Non-Finnish European, 0.00017%; no homozygotes.

Submission:

Labcorp Genetics (formerly Invitae), Labcorp
Classification: Uncertain significance for Primary ciliary dyskinesia. Last evaluated: 2022-07-05. Review status: criteria provided, single submitter. Criteria: Invitae Variant Classification Sherloc (09022015). Collection method: clinical testing. Allele origin: germline.
Comment: This sequence change replaces arginine, which is basic and polar, with glutamine, which is neutral and polar, at codon 3841 of the DNAH11 protein (p.Arg3841Gln). In summary, the available evidence is currently insufficient to determine the role of this variant in disease. Therefore, it has been classified as a Variant of Uncertain Significance. Advanced modeling of protein sequence and biophysical properties (such as structural, functional, and spatial information, amino acid conservation, physicochemical variation, residue mobility, and thermodynamic stability) performed at Invitae indicates that this missense variant is not expected to disrupt DNAH11 protein function. ClinVar contains an entry for this variant (Variation ID: 839065). This variant has not been reported in the literature in individuals affected with DNAH11-related conditions. This variant is not present in population databases (gnomAD no frequency).

NM_001277115.2(DNAH11):c.11522G>A (p.Arg3841Gln)

Gene: DNAH11 (dynein axonemal heavy chain 11; plus strand). Cytogenetic location: 7p15.3.
Variant type: single nucleotide variant.
Coding change: c.11522G>A on transcript NM_001277115.2 (MANE Select); coding-DNA position 11522, G replaced by A.
Protein change: p.Arg3841Gln; replaces arginine 3841 with glutamine.
Molecular consequence: missense variant.
Genome position (GRCh38, 1-based): chr7:21,866,495, G>A. VCF-style: chr7-21866495-G-A. GRCh37 (hg19) VCF-style: chr7-21906113-G-A.
Other names: short protein forms R3841Q.
Identifiers: ClinVar variation 839065 (VCV000839065.8), dbSNP rs1783284710, ClinGen allele CA366961877.
Genomic context (GRCh38, chr7:21,866,495, plus strand): 5'-ACACCATTCCTACTTGTTTCCCTATCATATTACAGGCAATTGCCGTCATGGAAGAATTTC[G>A]AGGCATAGACCGAGATGTGGAAGGATCTGCCAAGCAGTGGAGGAAGTGGGTAGAATCCGA-3'
Protein context (NP_001264044.1, residues 3831-3851): IKAIAVMEEF[Arg3841Gln]GIDRDVEGSA